The following is an entry in ClinVar:

ClinVar aggregate classification (germline): Pathogenic (1 of 4 stars; one submission).

Conditions:
Bloom syndrome (BLM). Also called: Bloom-Torre-Machacek syndrome. Identifiers: Orphanet 125, MedGen C0005859, MONDO:0008876, OMIM 210900.

Submission:

Labcorp Genetics (formerly Invitae), Labcorp
Classification: Pathogenic for Bloom syndrome. Last evaluated: 2021-12-17. Review status: criteria provided, single submitter. Criteria: Invitae Variant Classification Sherloc (09022015). Collection method: clinical testing. Allele origin: germline.
Comment: This sequence change creates a premature translational stop signal (p.Ser26Thrfs*9) in the BLM gene. It is expected to result in an absent or disrupted protein product. Loss-of-function variants in BLM are known to be pathogenic (PMID: 17407155). This variant is not present in population databases (gnomAD no frequency). This variant has not been reported in the literature in individuals affected with BLM-related conditions. For these reasons, this variant has been classified as Pathogenic.

Literature cited by the submitters: PubMed 17407155.

NM_000057.4(BLM):c.77_87del (p.Ser26fs)

Gene: BLM (BLM RecQ like helicase; plus strand). Cytogenetic location: 15q26.1.
Variant type: Deletion.
Coding change: c.77_87del on transcript NM_000057.4 (MANE Select); coding-DNA positions 77 to 87, 11 bases deleted (GTCTTTCAAAA).
Protein change: p.Ser26fs; shifts the reading frame from serine 26.
Molecular consequence: frameshift variant. On other transcripts: 5 prime UTR variant (1).
Genome position (GRCh38, 1-based): chr15:90,747,469-90,747,479, GTCTTTCAAAA deleted; deleting any 11 consecutive bases within chr15:90,747,467-90,747,479 gives the same sequence; the c. name uses the placement nearest the transcript's 3' end. VCF-style (leftmost placement, unchanged base first): chr15-90747466-TAAGTCTTTCAA-T. GRCh37 (hg19) VCF-style: chr15-91290696-TAAGTCTTTCAA-T.
Other names: c.77_87del, p.Ser26fs (NM_001287246.2, NM_001287247.2); c.-1215_-1205del (NM_001287248.2); short protein forms S26fs.
Identifiers: ClinVar variation 2045257 (VCV002045257.4), dbSNP rs2505385147, ClinGen allele CA2580090242.
Genomic context (GRCh38, chr15:90,747,466, plus strand): 5'-CTCAAAATAATCTACAGGAGCAACTAGAACGTCACTCAGCCAGAACACTTAATAATAAAT[TAAGTCTTTCAA>T]AACCAAAATTTTCGTAAGTGTTTTGACTGGTTTGCTGTCACATAGGCACTAACTTACCAC-3'